The following is an entry in ClinVar:

ClinVar aggregate classification (germline): Conflicting classifications of pathogenicity. Review status: criteria provided, conflicting classifications (1 of 4 stars). 3 submissions from 3 submitters: Uncertain significance (2); Likely benign (1). Last evaluated 2025-12-13.

Conditions:
Charcot-Marie-Tooth disease axonal type 2O. Also called: CHARCOT-MARIE-TOOTH NEUROPATHY, AXONAL, TYPE 2O; CHARCOT-MARIE-TOOTH DISEASE, AXONAL, AUTOSOMAL DOMINANT, TYPE 2O; Charcot-Marie-Tooth Neuropathy Type 2O; Charcot-Marie-Tooth disease, axonal, type 20. Identifiers: Orphanet 284232, MedGen C3280220, MONDO:0013644, OMIM 614228.

Allele frequency attached by ClinVar (database versions not stated): TOPMed 0.00001; gnomAD 0.00003; ESP Exome Variant Server 0.00015.
gnomAD v4.1: 25 of 1,614,068 alleles (0.0015%); highest among the groups gnomAD compares: South Asian, 0.0055%; no homozygotes.

Submissions (3):

Labcorp Genetics (formerly Invitae), Labcorp
Classification: Likely benign for Charcot-Marie-Tooth disease axonal type 2O. Last evaluated: 2025-12-13. Review status: criteria provided, single submitter. Criteria: Invitae Variant Classification Sherloc (09022015). Collection method: clinical testing. Allele origin: germline.

Mayo Clinic Laboratories, Mayo Clinic
Classification: Uncertain significance. Last evaluated: 2025-10-30. Review status: criteria provided, single submitter. Criteria: ACMG Guidelines, 2015. Collection method: clinical testing. Allele origin: germline. Observed: 1 variant allele.
Comment: BP4, PP2, PM2_supporting

Athena Diagnostics
Classification: Uncertain significance. Last evaluated: 2021-07-29. Review status: criteria provided, single submitter. Criteria: Athena Diagnostics Criteria. Collection method: clinical testing. Allele origin: unknown.

NM_001376.5(DYNC1H1):c.6847G>A (p.Val2283Met)

Gene: DYNC1H1 (dynein cytoplasmic 1 heavy chain 1; plus strand). Cytogenetic location: 14q32.31.
Variant type: single nucleotide variant.
Coding change: c.6847G>A on transcript NM_001376.5 (MANE Select); coding-DNA position 6847, G replaced by A.
Protein change: p.Val2283Met; replaces valine 2283 with methionine.
Molecular consequence: missense variant.
Genome position (GRCh38, 1-based): chr14:102,012,103, G>A. VCF-style: chr14-102012103-G-A. GRCh37 (hg19) VCF-style: chr14-102478440-G-A.
Other names: p.Val2283Met; short protein forms V2283M.
Identifiers: ClinVar variation 1380335 (VCV001380335.8), dbSNP rs374569905, ClinGen allele CA7352678.